The following is an entry in ClinVar:

ClinVar aggregate classification (germline): Conflicting classifications of pathogenicity. Review status: criteria provided, conflicting classifications (1 of 4 stars). 2 submissions from 2 submitters: Likely pathogenic (1); Uncertain significance (1). Last evaluated 2019-06-09.

Conditions:
Dilated cardiomyopathy 1DD (CMD1DD). Identifiers: Orphanet 154, MedGen C2750995, MONDO:0013168, OMIM 613172.

Submissions (2):

Labcorp Genetics (formerly Invitae), Labcorp
Classification: Uncertain significance for Dilated cardiomyopathy 1DD. Last evaluated: 2019-06-09. Review status: criteria provided, single submitter. Criteria: Invitae Variant Classification Sherloc (09022015). Collection method: clinical testing. Allele origin: germline.
Comment: In summary, the available evidence is currently insufficient to determine the role of this variant in disease. Therefore, it has been classified as a Variant of Uncertain Significance. Variants that disrupt the p.Pro638 amino acid residue in RBM20 have been observed in affected individuals (PMID: 19712804, 22466703, 28798025, 27532257, 29367541). This suggests that it is a clinically significant residue, and that other variants that disrupt this residue are likely to be causative of disease. Algorithms developed to predict the effect of sequence changes on RNA splicing suggest that this variant may create or strengthen a splice site, but this prediction has not been confirmed by published transcriptional studies. Algorithms developed to predict the effect of missense changes on protein structure and function (SIFT, PolyPhen-2, Align-GVGD) all suggest that this variant is likely to be disruptive, but these predictions have not been confirmed by published functional studies and their clinical significance is uncertain. This variant has not been reported in the literature in individuals with RBM20-related disease. ClinVar contains an entry for this variant (Variation ID: 372651). This variant is not present in population databases (ExAC no frequency). This sequence change replaces proline with glutamine at codon 638 of the RBM20 protein (p.Pro638Gln). The proline residue is highly conserved and there is a moderate physicochemical difference between proline and glutamine.

GeneDx
Classification: Likely pathogenic. Last evaluated: 2016-06-10. Review status: criteria provided, single submitter. Criteria: GeneDx Variant Classification (06012015). Collection method: clinical testing. Allele origin: germline. Affected: yes.
Comment: A novel and likely pathogenic variant has been identified in the RBM20 gene. The P638Q variant has not been published as a pathogenic variant, nor has it been reported as a benign variant to our knowledge. It was also not observed in approximately 2,300 individuals of European and African American ancestry in the NHLBI Exome Sequencing Project, indicating it is not a common benign variant in these populations. The P638Q variant is a non-conservative amino acid substitution, which is likely to impact secondary protein structure as these residues differ in polarity, charge, size and/or other properties. Moreover, this substitution occurs at a position that is conserved across species. Although in silico analysis is inconsistent in its predictions as to whether or not the variant is damaging to the protein structure/function, multiple likely pathogenic and pathogenic missense variants in nearby residues (R634W/Q, S635A, R636C/S/H), and a pathogenic variant in the same residue (P638L), have been reported in the Human Gene Mutation Database in association with DCM (Stenson et al., 2014), supporting the functional importance of this region of the protein.

Literature cited by the submitters: PubMed 19712804 (cited by Labcorp Genetics (formerly Invitae), Labcorp); PubMed 22466703 (cited by Labcorp Genetics (formerly Invitae), Labcorp); PubMed 28798025 (cited by Labcorp Genetics (formerly Invitae), Labcorp); PubMed 27532257 (cited by Labcorp Genetics (formerly Invitae), Labcorp); PubMed 29367541 (cited by Labcorp Genetics (formerly Invitae), Labcorp).

NM_001134363.3(RBM20):c.1913C>A (p.Pro638Gln)

Gene: RBM20 (RNA binding motif protein 20; plus strand). Cytogenetic location: 10q25.2.
Variant type: single nucleotide variant.
Coding change: c.1913C>A on transcript NM_001134363.3 (MANE Select); coding-DNA position 1913, C replaced by A.
Protein change: p.Pro638Gln; replaces proline 638 with glutamine.
Molecular consequence: missense variant.
Genome position (GRCh38, 1-based): chr10:110,812,310, C>A. VCF-style: chr10-110812310-C-A. GRCh37 (hg19) VCF-style: chr10-112572068-C-A.
Other names: c.1913C>A (LRG_382t1); short protein forms P638Q.
Identifiers: ClinVar variation 372651 (VCV000372651.11), dbSNP rs267607003, ClinGen allele CA16042702.